The following is an entry in ClinVar:

NM_001267550.2(TTN):c.87087T>C (p.Leu29029=)

Genes: TTN (titin; minus strand), TTN-AS1 (TTN antisense RNA 1; plus strand). Cytogenetic location: 2q31.2.
Variant type: single nucleotide variant.
Coding change: c.87087T>C on transcript NM_001267550.2 (MANE Select); coding-DNA position 87087, T replaced by C.
Protein change: p.Leu29029=; no amino-acid change (leucine 29029 retained).
Molecular consequence: synonymous variant.
Genome position (GRCh38, 1-based): chr2:178,558,372, A>G on the plus strand (T>C on the coding strand, the complement: TTN is on the minus strand). VCF-style: chr2-178558372-A-G. GRCh37 (hg19) VCF-style: chr2-179423099-A-G.
Other names: p.L26461L:CTT>CTC; p.Leu26461=; c.82164T>C, p.Leu27388= (NM_001256850.1); c.79383T>C, p.Leu26461= (NM_133378.4); c.59892T>C, p.Leu19964= (NM_003319.4); c.60267T>C, p.Leu20089= (NM_133432.3); c.60468T>C, p.Leu20156= (NM_133437.4).
Identifiers: ClinVar variation 47460 (VCV000047460.38), dbSNP rs12621078, ClinGen allele CA283975.

ClinVar aggregate classification (germline): Benign/Likely benign. Review status: criteria provided, multiple submitters, no conflicts (2 of 4 stars). 24 submissions from 17 submitters: Benign (18); Likely benign (2). 4 of the submissions do not count toward it. Last evaluated 2026-02-04.

Conditions:
Cardiovascular phenotype. Identifiers: MedGen CN230736.
Dilated cardiomyopathy 1G (CMD1G). Identifiers: Orphanet 154, MedGen C1858763, MONDO:0011400, OMIM 604145.
Autosomal recessive limb-girdle muscular dystrophy type 2J (LGMDR10). Also called: Limb-girdle muscular dystrophy, type 2J; MUSCULAR DYSTROPHY, LIMB-GIRDLE, AUTOSOMAL RECESSIVE 10. Identifiers: Orphanet 140922, MedGen C1837342, MONDO:0012127, OMIM 608807.
Early-onset myopathy with fatal cardiomyopathy (CMYO5). Also called: CONGENITAL MYOPATHY 5 WITH CARDIOMYOPATHY; Salih Myopathy. Identifiers: Orphanet 289377, MedGen C2673677, MONDO:0012714, OMIM 611705. Disease mechanism: loss of function.
Myopathy, myofibrillar, 9, with early respiratory failure (MFM9). Also called: MYOPATHY, PROXIMAL, WITH EARLY RESPIRATORY MUSCLE INVOLVEMENT; Myopathy, distal, with early respiratory failure, autosomal dominant; Hereditary myopathy with early respiratory failure; EDSTROM MYOPATHY. Identifiers: Orphanet 178464, Orphanet 34521, MedGen C1863599, MONDO:0011362, OMIM 603689.
Tibial muscular dystrophy (TMD). Also called: Tibial muscular dystrophy, tardive; UDD MYOPATHY; Udd Distal Myopathy – Tibial Muscular Dystrophy. Identifiers: Orphanet 609, MedGen C1838244, MONDO:0010870, OMIM 600334.

Allele frequency attached by ClinVar (database versions not stated): ESP Exome Variant Server 0.01593; TOPMed 0.01858; gnomAD 0.01996 and 0.02018; 1000 Genomes Project 30x 0.02077; 1000 Genomes Project 0.02236; gnomAD exomes 0.02326 and 0.02591; ExAC 0.02669.
gnomAD v4.1: 36,985 of 1,613,474 alleles (2.3%); highest among the groups gnomAD compares: East Asian, 6.2%; 520 homozygotes.

Submissions (24):

Labcorp Genetics (formerly Invitae), Labcorp
Classification: Benign for Dilated cardiomyopathy 1G; Autosomal recessive limb-girdle muscular dystrophy type 2J. Last evaluated: 2026-02-04. Review status: criteria provided, single submitter. Criteria: Invitae Variant Classification Sherloc (09022015). Collection method: clinical testing. Allele origin: germline.

Molecular Diagnostic Laboratory for Inherited Cardiovascular Disease, Montreal Heart Institute
Classification: Benign. Last evaluated: 2025-04-09. Review status: criteria provided, single submitter. Criteria: ACMG Guidelines, 2015. Collection method: clinical testing. Allele origin: germline. Affected: no.

Genome-Nilou Lab
Classification: Benign for Autosomal recessive limb-girdle muscular dystrophy type 2J. Last evaluated: 2021-09-10. Review status: criteria provided, single submitter. Criteria: ACMG Guidelines, 2015. Collection method: clinical testing. Allele origin: germline. Affected: no.

Genome-Nilou Lab
Classification: Benign for Myopathy, myofibrillar, 9, with early respiratory failure. Last evaluated: 2021-09-10. Review status: criteria provided, single submitter. Criteria: ACMG Guidelines, 2015. Collection method: clinical testing. Allele origin: germline. Affected: no.

Genome-Nilou Lab
Classification: Benign for Early-onset myopathy with fatal cardiomyopathy. Last evaluated: 2021-09-10. Review status: criteria provided, single submitter. Criteria: ACMG Guidelines, 2015. Collection method: clinical testing. Allele origin: germline. Affected: no.

Genome-Nilou Lab
Classification: Benign for Tibial muscular dystrophy. Last evaluated: 2021-09-10. Review status: criteria provided, single submitter. Criteria: ACMG Guidelines, 2015. Collection method: clinical testing. Allele origin: germline. Affected: no.

Women's Health and Genetics/Laboratory Corporation of America, LabCorp
Classification: Benign. Last evaluated: 2020-01-11. Review status: criteria provided, single submitter. Criteria: LabCorp Variant Classification Summary - May 2015. Collection method: clinical testing. Allele origin: germline.

Athena Diagnostics
Classification: Benign. Last evaluated: 2019-01-15. Review status: criteria provided, single submitter. Criteria: Athena Diagnostics Criteria. Collection method: clinical testing. Allele origin: germline.

Illumina Laboratory Services, Illumina
Classification: Benign for Autosomal recessive limb-girdle muscular dystrophy type 2J. Last evaluated: 2018-01-13. Review status: criteria provided, single submitter. Criteria: ICSL Variant Classification Criteria 13 December 2019. Collection method: clinical testing. Allele origin: germline.
Comment: This variant was observed in the ICSL laboratory as part of a predisposition screen in an ostensibly healthy population. It had not been previously curated by ICSL or reported in the Human Gene Mutation Database (HGMD: prior to June 1st, 2018), and was therefore a candidate for classification through an automated scoring system. Utilizing variant allele frequency, disease prevalence and penetrance estimates, and inheritance mode, an automated score was calculated to assess if this variant is too frequent to cause the disease. Based on the score and internal cut-off values, a variant classified as benign is not then subjected to further curation. The score for this variant resulted in a classification of benign for this disease.

Illumina Laboratory Services, Illumina
Classification: Benign for Myopathy, myofibrillar, 9, with early respiratory failure. Last evaluated: 2018-01-13. Review status: criteria provided, single submitter. Criteria: ICSL Variant Classification Criteria 13 December 2019. Collection method: clinical testing. Allele origin: germline.
Comment: the same text as in the submission from Illumina Laboratory Services, Illumina above.

Illumina Laboratory Services, Illumina
Classification: Likely benign for Dilated cardiomyopathy 1G. Last evaluated: 2018-01-13. Review status: criteria provided, single submitter. Criteria: ICSL Variant Classification Criteria 13 December 2019. Collection method: clinical testing. Allele origin: germline.
Comment: This variant was observed in the ICSL laboratory as part of a predisposition screen in an ostensibly healthy population. It had not been previously curated by ICSL or reported in the Human Gene Mutation Database (HGMD: prior to June 1st, 2018), and was therefore a candidate for classification through an automated scoring system. Utilizing variant allele frequency, disease prevalence and penetrance estimates, and inheritance mode, an automated score was calculated to assess if this variant is too frequent to cause the disease. Based on the score and internal cut-off values, a variant classified as likely benign is not then subjected to further curation. The score for this variant resulted in a classification of likely benign for this disease.

Illumina Laboratory Services, Illumina
Classification: Benign for Tibial muscular dystrophy. Last evaluated: 2018-01-13. Review status: criteria provided, single submitter. Criteria: ICSL Variant Classification Criteria 13 December 2019. Collection method: clinical testing. Allele origin: germline.
Comment: the same text as in the submission from Illumina Laboratory Services, Illumina above.

Illumina Laboratory Services, Illumina
Classification: Benign for Early-onset myopathy with fatal cardiomyopathy. Last evaluated: 2018-01-13. Review status: criteria provided, single submitter. Criteria: ICSL Variant Classification Criteria 13 December 2019. Collection method: clinical testing. Allele origin: germline.
Comment: the same text as in the submission from Illumina Laboratory Services, Illumina above.

Mayo Clinic Laboratories, Mayo Clinic
Classification: Benign. Last evaluated: 2017-10-05. Review status: criteria provided, single submitter. Criteria: ACMG Guidelines, 2015. Collection method: clinical testing. Allele origin: germline. Observed: 96 variant alleles.

Genetic Services Laboratory, University of Chicago
Classification: Benign for AllHighlyPenetrant. Last evaluated: 2013-08-15. Review status: criteria provided, single submitter. Criteria: ACMG Guidelines, 2007. Collection method: clinical testing. Allele origin: germline.

GeneDx
Classification: Benign. Last evaluated: 2013-04-29. Review status: criteria provided, single submitter. Criteria: GeneDx Variant Classification (06012015). Collection method: clinical testing. Allele origin: germline. Affected: yes.
Comment: This variant is considered likely benign or benign based on one or more of the following criteria: it is a conservative change, it occurs at a poorly conserved position in the protein, it is predicted to be benign by multiple in silico algorithms, and/or has population frequency not consistent with disease.

Ambry Genetics
Classification: Benign for Cardiovascular phenotype. Last evaluated: 2013-03-06. Review status: criteria provided, single submitter. Criteria: Ambry Autosomal Dominant and X-Linked criteria (10/2015). Collection method: clinical testing. Allele origin: germline. Observed: 1 variant allele.

Laboratory for Molecular Medicine, Mass General Brigham Personalized Medicine
Classification: Benign. Last evaluated: 2012-04-24. Review status: criteria provided, single submitter. Criteria: LMM Criteria. Collection method: clinical testing. Allele origin: germline. Observed: 62 variant alleles.

Breakthrough Genomics
Classification: Likely benign. Review status: criteria provided, single submitter. Criteria: ACMG Guidelines, 2015. Collection method: not provided. Allele origin: germline. Inheritance: Autosomal recessive inheritance. Affected: yes.

PreventionGenetics, part of Exact Sciences
Classification: Benign. Review status: criteria provided, single submitter. Criteria: ACMG Guidelines, 2015. Collection method: clinical testing. Allele origin: germline.

Clinical Genetics, Academic Medical Center
Classification: Benign. Review status: no assertion criteria provided. Collection method: clinical testing. Allele origin: germline. Affected: yes. Study: VKGL Data-share Consensus. Not counted in ClinVar's aggregate classification.

Genome Diagnostics Laboratory, University Medical Center Utrecht
Classification: Benign. Review status: no assertion criteria provided. Collection method: clinical testing. Allele origin: germline. Affected: yes. Study: VKGL Data-share Consensus. Not counted in ClinVar's aggregate classification.

Joint Genome Diagnostic Labs from Nijmegen and Maastricht, Radboudumc and MUMC+
Classification: Benign. Review status: no assertion criteria provided. Collection method: clinical testing. Allele origin: germline. Affected: yes. Study: VKGL Data-share Consensus. Not counted in ClinVar's aggregate classification.

Laboratory of Diagnostic Genome Analysis, Leiden University Medical Center (LUMC)
Classification: Likely benign. Review status: no assertion criteria provided. Collection method: clinical testing. Allele origin: germline. Affected: yes. Study: VKGL Data-share Consensus. Not counted in ClinVar's aggregate classification.